The following is an entry in ClinVar:

ClinVar aggregate classification (germline): Uncertain significance (1 of 4 stars; one submission).

Conditions:
Osteogenesis imperfecta type 8 (OI8). Identifiers: MedGen C1970458, MONDO:0012581, OMIM 610915.

Allele frequency attached by ClinVar (database versions not stated): gnomAD exomes below 0.00001.
gnomAD v4.1: 3 of 1,571,128 alleles (0.00019%); highest among the groups gnomAD compares: Non-Finnish European, 0.00026%; no homozygotes.

Submission:

Labcorp Genetics (formerly Invitae), Labcorp
Classification: Uncertain significance for Osteogenesis imperfecta type 8. Last evaluated: 2019-05-10. Review status: criteria provided, single submitter. Criteria: Invitae Variant Classification Sherloc (09022015). Collection method: clinical testing. Allele origin: germline.
Comment: In summary, the available evidence is currently insufficient to determine the role of this variant in disease. Therefore, it has been classified as a Variant of Uncertain Significance. Algorithms developed to predict the effect of missense changes on protein structure and function are either unavailable or do not agree on the potential impact of this missense change (SIFT: "Tolerated"; PolyPhen-2: "Possibly Damaging"; Align-GVGD: "Class C0"). This variant has not been reported in the literature in individuals with P3H1-related conditions. The frequency data for this variant in the population databases is considered unreliable, as metrics indicate insufficient coverage at this position in the ExAC database. This sequence change replaces alanine with valine at codon 80 of the P3H1 protein (p.Ala80Val). The alanine residue is moderately conserved and there is a small physicochemical difference between alanine and valine.

NM_022356.4(P3H1):c.239C>T (p.Ala80Val)

Genes: P3H1 (prolyl 3-hydroxylase 1; minus strand), LOC129930352 (ATAC-STARR-seq lymphoblastoid silent region 767; plus strand). Cytogenetic location: 1p34.2.
Variant type: single nucleotide variant.
Coding change: c.239C>T on transcript NM_022356.4 (MANE Select); coding-DNA position 239, C replaced by T.
Protein change: p.Ala80Val; replaces alanine 80 with valine.
Molecular consequence: missense variant.
Genome position (GRCh38, 1-based): chr1:42,766,733, G>A on the plus strand (C>T on the coding strand, the complement: P3H1 is on the minus strand). VCF-style: chr1-42766733-G-A. GRCh37 (hg19) VCF-style: chr1-43232404-G-A.
Other names: c.239C>T, p.Ala80Val (NM_001146289.2, NM_001243246.2); short protein forms A80V.
Identifiers: ClinVar variation 950238 (VCV000950238.10), dbSNP rs1356821838, ClinGen allele CA339963849.